The following is an entry in ClinVar:

ClinVar aggregate classification (germline): Uncertain significance (1 of 4 stars; one submission).

Conditions:
Wilson disease (WND). Also called: Wilson's disease. Identifiers: Orphanet 905, MedGen C0019202, MONDO:0010200, OMIM 277900. Disease mechanism: loss of function.

Submission:

Labcorp Genetics (formerly Invitae), Labcorp
Classification: Uncertain significance for Wilson disease. Last evaluated: 2025-06-20. Review status: criteria provided, single submitter. Criteria: Invitae Variant Classification Sherloc (09022015). Collection method: clinical testing. Allele origin: germline.
Comment: This sequence change replaces aspartic acid, which is acidic and polar, with glycine, which is neutral and non-polar, at codon 264 of the ATP7B protein (p.Asp264Gly). This variant is not present in population databases (gnomAD no frequency). This variant has not been reported in the literature in individuals affected with ATP7B-related conditions. Invitae Evidence Modeling of protein sequence and biophysical properties (such as structural, functional, and spatial information, amino acid conservation, physicochemical variation, residue mobility, and thermodynamic stability) has been performed for this missense variant. However, the output from this modeling did not meet the statistical confidence thresholds required to predict the impact of this variant on ATP7B protein function. In summary, the available evidence is currently insufficient to determine the role of this variant in disease. Therefore, it has been classified as a Variant of Uncertain Significance.

NM_000053.4(ATP7B):c.791A>G (p.Asp264Gly)

Gene: ATP7B (ATPase copper transporting beta; minus strand). Cytogenetic location: 13q14.3.
Variant type: single nucleotide variant.
Coding change: c.791A>G on transcript NM_000053.4 (MANE Select); coding-DNA position 791, A replaced by G.
Protein change: p.Asp264Gly; replaces aspartic acid 264 with glycine.
Molecular consequence: missense variant.
Genome position (GRCh38, 1-based): chr13:51,974,429, T>C on the plus strand (A>G on the coding strand, the complement: ATP7B is on the minus strand). VCF-style: chr13-51974429-T-C. GRCh37 (hg19) VCF-style: chr13-52548565-T-C.
Other names: c.791A>G, p.Asp264Gly (NM_001406526.1, NM_001406527.1, NM_001406528.1 and 30 more transcripts); c.695A>G, p.Asp232Gly (NM_001406530.1, NM_001406536.1, NM_001406517.1 and 4 more transcripts); short protein forms D264G, D232G.
Identifiers: ClinVar variation 4703605 (VCV004703605.1).
Genomic context (GRCh38, chr13:51,974,429, plus strand): 5'-CCTAGGAGCTGGCCAATATTTTCTTCAATATTCAAGACGCAAGACTTACAATGCATTCCA[T>C]CTATTCTCAGTTGGAGGGTGACCACATGGCTTCCTTGGTGCCCCAAGGTCTCAGAATTAT-3'
Protein context (NP_000044.2, residues 254-274): SHVVTLQLRI[Asp264Gly]GMHCKSCVLN